The following is an entry in ClinVar:

NM_001354604.2(MITF):c.355-3C>G

Gene: MITF (melanocyte inducing transcription factor; plus strand). Cytogenetic location: 3p13.
Variant type: single nucleotide variant.
Coding change: c.355-3C>G on transcript NM_001354604.2 (MANE Select); 3 bases into the intron before coding-DNA position 355, C replaced by G.
Molecular consequence: intron variant.
Genome position (GRCh38, 1-based): chr3:69,937,819, C>G. VCF-style: chr3-69937819-C-G. GRCh37 (hg19) VCF-style: chr3-69986970-C-G.
Other names: c.304-3C>G (NM_001354607.2); c.199-3C>G (NM_001354608.2, NM_001184967.2); c.355-3C>G (NM_198159.3); c.352-3C>G (NM_001354605.2, NM_001354606.2, NM_006722.3); c.307-3C>G (NM_198177.3); c.34-3C>G (NM_000248.4, NM_198158.3, NM_198178.3 and 1 more transcripts).
Identifiers: ClinVar variation 4787356 (VCV004787356.1).

ClinVar aggregate classification (germline): Uncertain significance (1 of 4 stars; one submission).

Conditions:
Tietz syndrome (TADS). Also called: ALBINISM-DEAFNESS OF TIETZ; HYPOPIGMENTATION/DEAFNESS OF TIETZ; TIETZ ALBINISM-DEAFNESS SYNDROME. Identifiers: Orphanet 42665, MedGen C0391816, MONDO:0007077, OMIM 103500.
Waardenburg syndrome type 2A (WS2A). Also called: WAARDENBURG SYNDROME WITHOUT DYSTOPIA CANTHORUM. Identifiers: Orphanet 3440, MedGen C1860339, MONDO:0008671, OMIM 193510.
Melanoma, cutaneous malignant, susceptibility to, 8. Also called: MELANOMA AND RENAL CELL CARCINOMA, SUSCEPTIBILITY TO; Cutaneous malignant melanoma 8. Identifiers: Orphanet 293822, MedGen C3152204, MONDO:0013759, OMIM 614456.

Submission:

Labcorp Genetics (formerly Invitae), Labcorp
Classification: Uncertain significance for Melanoma, cutaneous malignant, susceptibility to, 8; Waardenburg syndrome type 2A; Tietz syndrome. Last evaluated: 2026-01-25. Review status: criteria provided, single submitter. Criteria: Invitae Variant Classification Sherloc (09022015). Collection method: clinical testing. Allele origin: germline.
Comment: This sequence change falls in intron 1 of the MITF gene. It does not directly change the encoded amino acid sequence of the MITF protein. It affects a nucleotide within the consensus splice site. This variant is not present in population databases (gnomAD no frequency). This variant has not been reported in the literature in individuals affected with MITF-related conditions. Variants that disrupt the consensus splice site are a relatively common cause of aberrant splicing (PMID: 17576681, 9536098). Algorithms developed to predict the effect of sequence changes on RNA splicing suggest that this variant may disrupt the consensus splice site. In summary, the available evidence is currently insufficient to determine the role of this variant in disease. Therefore, it has been classified as a Variant of Uncertain Significance.

Literature cited by the submitters: PubMed 17576681; PubMed 9536098.